The following is an entry in ClinVar:

NM_020207.7(ERCC6L2):c.80C>G (p.Pro27Arg)

Gene: ERCC6L2 (ERCC excision repair 6 like 2; plus strand). Cytogenetic location: 9q22.32.
Variant type: single nucleotide variant.
Coding change: c.80C>G on transcript NM_020207.7 (MANE Select); coding-DNA position 80, C replaced by G.
Protein change: p.Pro27Arg; replaces proline 27 with arginine.
Molecular consequence: missense variant. On other transcripts: non-coding transcript variant (1).
Genome position (GRCh38, 1-based): chr9:95,880,902, C>G. VCF-style: chr9-95880902-C-G. GRCh37 (hg19) VCF-style: chr9-98643184-C-G.
Other names: c.80C>G, p.Pro27Arg (NM_001010895.4, NM_001375291.1, NM_001375292.1 and 2 more transcripts); short protein forms P27R.
Identifiers: ClinVar variation 3509975 (VCV003509975.1).

ClinVar aggregate classification (germline): Uncertain significance (1 of 4 stars; one submission).

Conditions:
Inborn genetic diseases. Identifiers: MedGen C0950123, MeSH D030342.

gnomAD v4.1: 1 of 1,612,696 alleles (0.000062%); highest among the groups gnomAD compares: East Asian, 0.0022%; no homozygotes.

Submission:

Ambry Genetics
Classification: Uncertain significance for Inborn genetic diseases. Last evaluated: 2024-11-23. Review status: criteria provided, single submitter. Criteria: Ambry Variant Classification Scheme 2023. Collection method: clinical testing. Allele origin: germline.
Comment: The p.P27R variant (also known as c.80C>G), located in coding exon 2 of the ERCC6L2 gene, results from a C to G substitution at nucleotide position 80. The proline at codon 27 is replaced by arginine, an amino acid with dissimilar properties. This amino acid position is conserved. In addition, this alteration is predicted to be deleterious by in silico analysis. Based on the available evidence, the clinical significance of this variant remains unclear.